The following is an entry in ClinVar:

NM_000277.3(PAH):c.1216A>G (p.Ile406Val)

Gene: PAH (phenylalanine hydroxylase; minus strand). Cytogenetic location: 12q23.2.
Variant type: single nucleotide variant.
Coding change: c.1216A>G on transcript NM_000277.3 (MANE Select); coding-DNA position 1216, A replaced by G.
Protein change: p.Ile406Val; replaces isoleucine 406 with valine.
Molecular consequence: missense variant.
Genome position (GRCh38, 1-based): chr12:102,840,499, T>C on the plus strand (A>G on the coding strand, the complement: PAH is on the minus strand). VCF-style: chr12-102840499-T-C. GRCh37 (hg19) VCF-style: chr12-103234277-T-C.
Other names: c.1216A>G, p.Ile406Val (NM_001354304.2); c.1216A>G (NM_000277.2); short protein forms I406V.
Identifiers: ClinVar variation 619167 (VCV000619167.13), dbSNP rs749613899, ClinGen allele CA6748709.

ClinVar aggregate classification (germline): Likely pathogenic. Review status: reviewed by expert panel (3 of 4 stars). 4 submissions from 4 submitters: Likely pathogenic (1). 3 of the submissions do not count toward it. Last evaluated 2018-12-09.

Conditions:
Phenylketonuria (PKU). Also called: Phenylketonuria (PKU); FOLLING DISEASE; OLIGOPHRENIA PHENYLPYRUVICA; Phenylketonurias. Identifiers: Orphanet 716, MedGen C0031485, MONDO:0009861, OMIM 261600. Disease mechanism: loss of function.

Allele frequency attached by ClinVar (database versions not stated): gnomAD 0.00001; gnomAD exomes 0.00001; TOPMed 0.00001; ExAC 0.00002.
gnomAD v4.1: 2 of 1,613,556 alleles (0.00012%); highest among the groups gnomAD compares: East Asian, 0.0022%; no homozygotes.

Submissions (4):

ClinGen PAH Variant Curation Expert Panel
Classification: Likely pathogenic for Phenylketonuria. Last evaluated: 2018-12-09. Review status: reviewed by expert panel. Criteria: ClinGen PAH ACMG Specifications v1. Collection method: curation. Allele origin: germline. Inheritance: Autosomal recessive inheritance.
Comment: Dihydropteridine reductase activity, urinary biopterin and neopterin ratio, and tetrahydrobiopterin loading were collected. (PMID: 26503515) This variant has a low frequency in ExAC/gnomAD (MAF=0.00016) and is absent from 1000G. A deleterious effect is predicted by SIFT, Polyphen, and MutationTaster. Another missense variant at this amino acid is interpreted as likely pathogenic by our PAH VCEP (p.I406T). In summary, this variant meets criteria to be classified as likely pathogenic for PAH. PAH-specific ACMG/AMP criteria applied: PM2, PM5, PP4_Moderate, PP3.

Labcorp Genetics (formerly Invitae), Labcorp
Classification: Likely pathogenic for Phenylketonuria. Last evaluated: 2025-11-23. Review status: criteria provided, single submitter. Criteria: Invitae Variant Classification Sherloc (09022015). Collection method: clinical testing. Allele origin: germline. Not counted in ClinVar's aggregate classification.
Comment: This sequence change replaces isoleucine, which is neutral and non-polar, with valine, which is neutral and non-polar, at codon 406 of the PAH protein (p.Ile406Val). This variant is present in population databases (rs749613899, gnomAD 0.02%). This missense change has been observed in individual(s) with PAH-related conditions (PMID: 26503515, 30747360, 35193651). ClinVar contains an entry for this variant (Variation ID: 619167). Invitae Evidence Modeling of protein sequence and biophysical properties (such as structural, functional, and spatial information, amino acid conservation, physicochemical variation, residue mobility, and thermodynamic stability) indicates that this missense variant is not expected to disrupt PAH protein function with a negative predictive value of 80%. This variant disrupts the p.Ile406 amino acid residue in PAH. Other variant(s) that disrupt this residue have been determined to be pathogenic (PMID: 23357515). This suggests that this residue is clinically significant, and that variants that disrupt this residue are likely to be disease-causing. In summary, the currently available evidence indicates that the variant is pathogenic, but additional data are needed to prove that conclusively. Therefore, this variant has been classified as Likely Pathogenic.

Natera, Inc.
Classification: Likely pathogenic for Phenylketonuria. Last evaluated: 2025-08-19. Review status: criteria provided, single submitter. Criteria: Natera Variant Classification Schema (03/2026). Collection method: clinical testing. Allele origin: germline. Not counted in ClinVar's aggregate classification.
Comment: The c.1216A>G variant in PAH is a missense variant predicted to cause substitution of isoleucine to valine at amino acid 406. This variant is rare in the general population with a frequency below the threshold expected for the associated phenotype(s). This variant has been observed in one or more individuals affected with the associated recessive disease, as either homozygous or compound heterozygous with a second variant (PMID: 30050108, 35952926). A different variant at the same position has been determined to be Pathogenic or Likely Pathogenic. Computational prediction algorithms indicate this variant is likely to affect gene or protein function. Given the available evidence, this variant is classified as Likely Pathogenic.

Juno Genomics, Hangzhou Juno Genomics, Inc
Classification: Likely pathogenic for Phenylketonuria. Review status: criteria provided, single submitter. Criteria: ACMG Guidelines, 2015. Collection method: clinical testing. Allele origin: germline. Not counted in ClinVar's aggregate classification.
Comment: Absent from controls (or at extremely low frequency if recessive) in Genome Aggregation Database.;Novel missense change at an amino acid residue where a different missense change determined to be pathogenic has been seen before.;Multiple lines of computational evidence support a deleterious effect on the gene or gene product.;For recessive disorders, detected in trans with a pathogenic variant.;Patient's phenotype or family history is highly specific for a disease with a single genetic etiology.

Literature cited by the submitters: PubMed 26503515 (cited by ClinGen PAH Variant Curation Expert Panel and Labcorp Genetics (formerly Invitae), Labcorp); PubMed 30747360 (cited by Labcorp Genetics (formerly Invitae), Labcorp); PubMed 35193651 (cited by Labcorp Genetics (formerly Invitae), Labcorp); PubMed 23357515 (cited by Labcorp Genetics (formerly Invitae), Labcorp); PubMed 30050108 (cited by Natera, Inc.); PubMed 35952926 (cited by Natera, Inc.).